The following is an entry in ClinVar:

ClinVar aggregate classification (germline): Uncertain significance (1 of 4 stars; one submission).

Allele frequency attached by ClinVar (database versions not stated): TOPMed below 0.00001.
gnomAD v4.1: 7 of 1,602,028 alleles (0.00044%); highest among the groups gnomAD compares: Admixed American, 0.0017%; no homozygotes.

Submission:

Labcorp Genetics (formerly Invitae), Labcorp
Classification: Uncertain significance. Last evaluated: 2022-07-17. Review status: criteria provided, single submitter. Criteria: Invitae Variant Classification Sherloc (09022015). Collection method: clinical testing. Allele origin: germline.
Comment: This sequence change replaces alanine, which is neutral and non-polar, with threonine, which is neutral and polar, at codon 1333 of the LRRK1 protein (p.Ala1333Thr). This variant is present in population databases (no rsID available, gnomAD 0.01%). This variant has not been reported in the literature in individuals affected with LRRK1-related conditions. Algorithms developed to predict the effect of missense changes on protein structure and function are either unavailable or do not agree on the potential impact of this missense change (SIFT: "Tolerated"; PolyPhen-2: "Probably Damaging"; Align-GVGD: "Class C0"). In summary, the available evidence is currently insufficient to determine the role of this variant in disease. Therefore, it has been classified as a Variant of Uncertain Significance.

NM_024652.6(LRRK1):c.3997G>A (p.Ala1333Thr)

Genes: LRRK1 (leucine rich repeat kinase 1; plus strand), LRRK1-AS1 (LRRK1 antisense RNA 1; minus strand). Cytogenetic location: 15q26.3.
Variant type: single nucleotide variant.
Coding change: c.3997G>A on transcript NM_024652.6 (MANE Select); coding-DNA position 3997, G replaced by A.
Protein change: p.Ala1333Thr; replaces alanine 1333 with threonine.
Molecular consequence: missense variant.
Genome position (GRCh38, 1-based): chr15:101,053,363, G>A. VCF-style: chr15-101053363-G-A. GRCh37 (hg19) VCF-style: chr15-101593568-G-A.
Other names: short protein forms A1333T.
Identifiers: ClinVar variation 2022861 (VCV002022861.4), dbSNP rs1029846060, ClinGen allele CA275616253.